The following is an entry in ClinVar:

ClinVar aggregate classification (germline): Benign. Review status: criteria provided, multiple submitters, no conflicts (2 of 4 stars). 6 submissions from 6 submitters: Benign (6). Last evaluated 2026-02-03.

Conditions:
Cone-rod synaptic disorder, congenital nonprogressive. Also called: NIGHT BLINDNESS, CONGENITAL STATIONARY, INCOMPLETE, AUTOSOMAL RECESSIVE. Identifiers: Orphanet 215, MedGen C4041558, MONDO:0012490, OMIM 610427.

Allele frequency attached by ClinVar (database versions not stated): TOPMed 0.05347; gnomAD 0.05627 and 0.05591; ExAC 0.06142; ESP Exome Variant Server 0.06851; gnomAD exomes 0.08081 and 0.05894; 1000 Genomes Project 0.03255; 1000 Genomes Project 30x 0.03232.

Submissions (6):

Labcorp Genetics (formerly Invitae), Labcorp
Classification: Benign. Last evaluated: 2026-02-03. Review status: criteria provided, single submitter. Criteria: Invitae Variant Classification Sherloc (09022015). Collection method: clinical testing. Allele origin: germline.

Genome-Nilou Lab
Classification: Benign for Cone-rod synaptic disorder, congenital nonprogressive. Last evaluated: 2021-07-14. Review status: criteria provided, single submitter. Criteria: ACMG Guidelines, 2015. Collection method: clinical testing. Allele origin: germline. Affected: no.

GeneDx
Classification: Benign. Last evaluated: 2018-07-05. Review status: criteria provided, single submitter. Criteria: GeneDx Variant Classification Process June 2021. Collection method: clinical testing. Allele origin: germline. Affected: yes.

Illumina Laboratory Services, Illumina
Classification: Benign for Cone-rod synaptic disorder, congenital nonprogressive. Last evaluated: 2018-01-12. Review status: criteria provided, single submitter. Criteria: ICSL Variant Classification Criteria 13 December 2019. Collection method: clinical testing. Allele origin: germline.
Comment: This variant was observed in the ICSL laboratory as part of a predisposition screen in an ostensibly healthy population. It had not been previously curated by ICSL or reported in the Human Gene Mutation Database (HGMD: prior to June 1st, 2018), and was therefore a candidate for classification through an automated scoring system. Utilizing variant allele frequency, disease prevalence and penetrance estimates, and inheritance mode, an automated score was calculated to assess if this variant is too frequent to cause the disease. Based on the score and internal cut-off values, a variant classified as benign is not then subjected to further curation. The score for this variant resulted in a classification of benign for this disease.

Breakthrough Genomics
Classification: Benign. Review status: criteria provided, single submitter. Criteria: ACMG Guidelines, 2015. Collection method: not provided. Allele origin: germline. Inheritance: Autosomal recessive inheritance. Affected: yes.

PreventionGenetics, part of Exact Sciences
Classification: Benign. Review status: criteria provided, single submitter. Criteria: ACMG Guidelines, 2015. Collection method: clinical testing. Allele origin: germline.

NM_145200.5(CABP4):c.800-5C>T

Gene: CABP4 (calcium binding protein 4; plus strand). Cytogenetic location: 11q13.2.
Variant type: single nucleotide variant.
Coding change: c.800-5C>T on transcript NM_145200.5 (MANE Select); 5 bases into the intron before coding-DNA position 800, C replaced by T.
Molecular consequence: intron variant.
Genome position (GRCh38, 1-based): chr11:67,458,626, C>T. VCF-style: chr11-67458626-C-T. GRCh37 (hg19) VCF-style: chr11-67226097-C-T.
Other names: c.485-5C>T (NM_001379183.1, NM_001300896.3, NM_001300895.3).
Identifiers: ClinVar variation 262580 (VCV000262580.19), dbSNP rs72934713, ClinGen allele CA6140366.